The following is an entry in ClinVar:

NM_022167.4(XYLT2):c.1171G>A (p.Ala391Thr)

Gene: XYLT2 (xylosyltransferase 2; plus strand). Cytogenetic location: 17q21.33.
Variant type: single nucleotide variant.
Coding change: c.1171G>A on transcript NM_022167.4 (MANE Select); coding-DNA position 1171, G replaced by A.
Protein change: p.Ala391Thr; replaces alanine 391 with threonine.
Molecular consequence: missense variant.
Genome position (GRCh38, 1-based): chr17:50,355,863, G>A. VCF-style: chr17-50355863-G-A. GRCh37 (hg19) VCF-style: chr17-48433224-G-A.
Other names: short protein forms A391T.
Identifiers: ClinVar variation 4744811 (VCV004744811.1).

ClinVar aggregate classification (germline): Uncertain significance (1 of 4 stars; one submission).

Submission:

Labcorp Genetics (formerly Invitae), Labcorp
Classification: Uncertain significance. Last evaluated: 2025-10-01. Review status: criteria provided, single submitter. Criteria: Invitae Variant Classification Sherloc (09022015). Collection method: clinical testing. Allele origin: germline.
Comment: This sequence change replaces alanine, which is neutral and non-polar, with threonine, which is neutral and polar, at codon 391 of the XYLT2 protein (p.Ala391Thr). This variant is not present in population databases (gnomAD no frequency). This variant has not been reported in the literature in individuals affected with XYLT2-related conditions. Invitae Evidence Modeling of protein sequence and biophysical properties (such as structural, functional, and spatial information, amino acid conservation, physicochemical variation, residue mobility, and thermodynamic stability) indicates that this missense variant is not expected to disrupt XYLT2 protein function with a negative predictive value of 80%. In summary, the available evidence is currently insufficient to determine the role of this variant in disease. Therefore, it has been classified as a Variant of Uncertain Significance.